The following is an entry in ClinVar:

NM_003801.4(GPAA1):c.943G>T (p.Glu315Ter)

Gene: GPAA1 (glycosylphosphatidylinositol anchor attachment 1; plus strand). Cytogenetic location: 8q24.3.
Variant type: single nucleotide variant.
Coding change: c.943G>T on transcript NM_003801.4 (MANE Select); coding-DNA position 943, G replaced by T.
Protein change: p.Glu315Ter; replaces glutamic acid 315 with a stop codon.
Molecular consequence: nonsense.
Genome position (GRCh38, 1-based): chr8:144,084,542, G>T. VCF-style: chr8-144084542-G-T. GRCh37 (hg19) VCF-style: chr8-145139445-G-T.
Other names: short protein forms E315*.
Identifiers: ClinVar variation 3618169 (VCV003618169.2).

ClinVar aggregate classification (germline): Pathogenic (1 of 4 stars; one submission).

gnomAD v4.1: 2 of 1,613,896 alleles (0.00012%); highest among the groups gnomAD compares: Admixed American, 0.0017%; no homozygotes.

Submission:

Labcorp Genetics (formerly Invitae), Labcorp
Classification: Pathogenic. Last evaluated: 2024-02-06. Review status: criteria provided, single submitter. Criteria: Invitae Variant Classification Sherloc (09022015). Collection method: clinical testing. Allele origin: germline.
Comment: This sequence change creates a premature translational stop signal (p.Glu315*) in the GPAA1 gene. It is expected to result in an absent or disrupted protein product. Loss-of-function variants in GPAA1 are known to be pathogenic (PMID: 29100095). This variant is not present in population databases (gnomAD no frequency). This variant has not been reported in the literature in individuals affected with GPAA1-related conditions. For these reasons, this variant has been classified as Pathogenic.

Literature cited by the submitters: PubMed 29100095.